The following is an entry in ClinVar:

ClinVar aggregate classification (germline): Likely benign (1 of 4 stars; one submission).

gnomAD v4.1: 14 of 1,604,912 alleles (0.00087%); highest among the groups gnomAD compares: Admixed American, 0.0017%; no homozygotes.

Submission:

CeGaT Center for Human Genetics Tuebingen
Classification: Likely benign. Last evaluated: 2025-01-01. Review status: criteria provided, single submitter. Criteria: CeGaT Center For Human Genetics Tuebingen Variant Classification Criteria Version 2. Collection method: clinical testing. Allele origin: germline. Affected: yes. Observed: 1 variant allele.
Comment: SUN3: BP4, BP7

NM_001030019.2(SUN3):c.933C>T (p.Thr311=)

Gene: SUN3 (Sad1 and UNC84 domain containing 3; minus strand). Cytogenetic location: 7p12.3.
Variant type: single nucleotide variant.
Coding change: c.933C>T on transcript NM_001030019.2 (MANE Select); coding-DNA position 933, C replaced by T.
Protein change: p.Thr311=; no amino-acid change (threonine 311 retained).
Molecular consequence: synonymous variant.
Genome position (GRCh38, 1-based): chr7:47,988,809, G>A on the plus strand (C>T on the coding strand, the complement: SUN3 is on the minus strand). VCF-style: chr7-47988809-G-A. GRCh37 (hg19) VCF-style: chr7-48028406-G-A.
Other names: c.897C>T, p.Thr299= (NM_001284350.2); c.933C>T, p.Thr311= (NM_152782.4).
Identifiers: ClinVar variation 3771896 (VCV003771896.13).